The following is an entry in ClinVar:

NM_004655.4(AXIN2):c.1484G>A (p.Gly495Asp)

Gene: AXIN2 (axin 2; minus strand). Cytogenetic location: 17q24.1.
Variant type: single nucleotide variant.
Coding change: c.1484G>A on transcript NM_004655.4 (MANE Select); coding-DNA position 1484, G replaced by A.
Protein change: p.Gly495Asp; replaces glycine 495 with aspartic acid.
Molecular consequence: missense variant.
Genome position (GRCh38, 1-based): chr17:65,537,552, C>T on the plus strand (G>A on the coding strand, the complement: AXIN2 is on the minus strand). VCF-style: chr17-65537552-C-T. GRCh37 (hg19) VCF-style: chr17-63533670-C-T.
Other names: c.1484G>A, p.Gly495Asp (NM_001363813.1); short protein forms G495D.
Identifiers: ClinVar variation 1773640 (VCV001773640.3), dbSNP rs2509414161, ClinGen allele CA400677415.

ClinVar aggregate classification (germline): Uncertain significance (1 of 4 stars; one submission).

Conditions:
Hereditary cancer-predisposing syndrome. Also called: Hereditary Cancer Syndrome; Hereditary neoplastic syndrome; Neoplastic Syndromes, Hereditary; Tumor predisposition. Identifiers: Orphanet 140162, MedGen C0027672, MeSH D009386, MONDO:0015356.

Submission:

Ambry Genetics
Classification: Uncertain significance for Hereditary cancer-predisposing syndrome. Last evaluated: 2025-05-12. Review status: criteria provided, single submitter. Criteria: Ambry Variant Classification Scheme 2023. Collection method: clinical testing. Allele origin: germline.
Comment: The p.G495D variant (also known as c.1484G>A), located in coding exon 5 of the AXIN2 gene, results from a G to A substitution at nucleotide position 1484. The glycine at codon 495 is replaced by aspartic acid, an amino acid with similar properties. This amino acid position is poorly conserved in available vertebrate species. In addition, this alteration is predicted to be tolerated by in silico analysis. Based on the available evidence, the clinical significance of this variant remains unclear.